The following is an entry in ClinVar:

ClinVar aggregate classification (germline): Benign. Review status: criteria provided, multiple submitters, no conflicts (2 of 4 stars). 10 submissions from 10 submitters: Benign (7). 3 of the submissions do not count toward it. Last evaluated 2026-02-04.

Conditions:
Autosomal recessive congenital ichthyosis 1 (LI1). Also called: LAMELLAR EXFOLIATION OF NEWBORN; ICHTHYOSIS CONGENITA; ICHTHYOSIS CONGENITA II; ICHTHYOSIS, CONGENITAL, AUTOSOMAL RECESSIVE 1, WITH BATHING SUIT DISTRIBUTION; ICHTHYOSIS, CONGENITAL, AUTOSOMAL RECESSIVE 1, WITH OR WITHOUT BATHING SUIT DISTRIBUTION; COLLODION FETUS. Identifiers: MedGen C4551630, MONDO:0009441, OMIM 242300.

Allele frequency attached by ClinVar (database versions not stated): 1000 Genomes Project 0.15535; 1000 Genomes Project 30x 0.15787; TOPMed 0.17990; ESP Exome Variant Server 0.18868.
gnomAD v4.1: 303,392 of 1,613,700 alleles (19%); highest among the groups gnomAD compares: Non-Finnish European, 20%; 29,490 homozygotes.

Submissions (10):

Labcorp Genetics (formerly Invitae), Labcorp
Classification: Benign. Last evaluated: 2026-02-04. Review status: criteria provided, single submitter. Criteria: Invitae Variant Classification Sherloc (09022015). Collection method: clinical testing. Allele origin: germline.

Blueprint Genetics
Classification: Benign. Last evaluated: 2024-11-27. Review status: criteria provided, single submitter. Criteria: ACMG Guidelines, 2015. Collection method: clinical testing. Allele origin: germline.

Genome-Nilou Lab
Classification: Benign for Autosomal recessive congenital ichthyosis 1. Last evaluated: 2021-07-10. Review status: criteria provided, single submitter. Criteria: ACMG Guidelines, 2015. Collection method: clinical testing. Allele origin: germline. Affected: no.

Illumina Laboratory Services, Illumina
Classification: Benign for Autosomal recessive congenital ichthyosis 1. Last evaluated: 2018-01-13. Review status: criteria provided, single submitter. Criteria: ICSL Variant Classification Criteria 13 December 2019. Collection method: clinical testing. Allele origin: germline.
Comment: This variant was observed in the ICSL laboratory as part of a predisposition screen in an ostensibly healthy population. It had not been previously curated by ICSL or reported in the Human Gene Mutation Database (HGMD: prior to June 1st, 2018), and was therefore a candidate for classification through an automated scoring system. Utilizing variant allele frequency, disease prevalence and penetrance estimates, and inheritance mode, an automated score was calculated to assess if this variant is too frequent to cause the disease. Based on the score and internal cut-off values, a variant classified as benign is not then subjected to further curation. The score for this variant resulted in a classification of benign for this disease.

GeneDx
Classification: Benign. Last evaluated: 2015-03-03. Review status: criteria provided, single submitter. Criteria: GeneDx Variant Classification Process June 2021. Collection method: clinical testing. Allele origin: germline. Affected: yes.

Breakthrough Genomics
Classification: Benign. Review status: criteria provided, single submitter. Criteria: ACMG Guidelines, 2015. Collection method: not provided. Allele origin: germline. Inheritance: Autosomal recessive inheritance. Affected: yes.

PreventionGenetics, part of Exact Sciences
Classification: Benign. Review status: criteria provided, single submitter. Criteria: ACMG Guidelines, 2015. Collection method: clinical testing. Allele origin: germline.

Natera, Inc.
Classification: Benign for Autosomal recessive congenital ichthyosis type 1. Last evaluated: 2019-11-20. Review status: no assertion criteria provided. Collection method: clinical testing. Allele origin: germline. Not counted in ClinVar's aggregate classification.

Diagnostic Laboratory, Department of Genetics, University Medical Center Groningen
Classification: Benign. Review status: no assertion criteria provided. Collection method: clinical testing. Allele origin: germline. Affected: yes. Study: VKGL Data-share Consensus. Not counted in ClinVar's aggregate classification.

Joint Genome Diagnostic Labs from Nijmegen and Maastricht, Radboudumc and MUMC+
Classification: Benign. Review status: no assertion criteria provided. Collection method: clinical testing. Allele origin: germline. Affected: yes. Study: VKGL Data-share Consensus. Not counted in ClinVar's aggregate classification.

NM_000359.3(TGM1):c.1146C>A (p.Gly382=)

Gene: TGM1 (transglutaminase 1; minus strand). Cytogenetic location: 14q12.
Variant type: single nucleotide variant.
Coding change: c.1146C>A on transcript NM_000359.3 (MANE Select); coding-DNA position 1146, C replaced by A.
Protein change: p.Gly382=; no amino-acid change (glycine 382 retained).
Molecular consequence: synonymous variant.
Genome position (GRCh38, 1-based): chr14:24,259,088, G>T on the plus strand (C>A on the coding strand, the complement: TGM1 is on the minus strand). VCF-style: chr14-24259088-G-T. GRCh37 (hg19) VCF-style: chr14-24728294-G-T.
Identifiers: ClinVar variation 255941 (VCV000255941.28), dbSNP rs1126432, ClinGen allele CA7131184.